The following is an entry in ClinVar:

NM_002609.4(PDGFRB):c.1567G>A (p.Val523Met)

Gene: PDGFRB (platelet derived growth factor receptor beta; minus strand). Cytogenetic location: 5q32.
Variant type: single nucleotide variant.
Coding change: c.1567G>A on transcript NM_002609.4 (MANE Select); coding-DNA position 1567, G replaced by A.
Protein change: p.Val523Met; replaces valine 523 with methionine.
Molecular consequence: missense variant.
Genome position (GRCh38, 1-based): chr5:150,129,769, C>T on the plus strand (G>A on the coding strand, the complement: PDGFRB is on the minus strand). VCF-style: chr5-150129769-C-T. GRCh37 (hg19) VCF-style: chr5-149509332-C-T.
Other names: c.1375G>A, p.Val459Met (NM_001355016.2); c.1084G>A, p.Val362Met (NM_001355017.2); short protein forms V362M, V459M, V523M.
Identifiers: ClinVar variation 1978435 (VCV001978435.7), dbSNP rs374412074, ClinGen allele CA3507939.

ClinVar aggregate classification (germline): Likely benign. Review status: criteria provided, multiple submitters, no conflicts (2 of 4 stars). 3 submissions from 3 submitters: Likely benign (3). Last evaluated 2026-07-01.

Conditions:
Inborn genetic diseases. Identifiers: MedGen C0950123, MeSH D030342.
PDGFRB-related disorder. Also called: PDGFRB-related condition.
Infantile myofibromatosis (IMF). Also called: Congenital generalized fibromatosis. Identifiers: Orphanet 2591, MedGen C0432284, MONDO:0016824.
Skeletal overgrowth-craniofacial dysmorphism-hyperelastic skin-white matter lesions syndrome. Also called: SKELETAL OVERGROWTH WITH FACIAL DYSMORPHISM, HYPERELASTIC SKIN, WHITE MATTER LESIONS, AND NEUROLOGIC DETERIORATION; Kosaki overgrowth syndrome. Identifiers: Orphanet 477831, MedGen C4225270, MONDO:0014704, OMIM 616592.
Acroosteolysis-keloid-like lesions-premature aging syndrome. Also called: Premature aging syndrome, Penttinen type; Prematurely aged appearance, delayed bone maturation, acro-osteolysis, and brachydactyly; Progeroid syndrome, Penttinen type. Identifiers: Orphanet 363665, MedGen C1866182, MONDO:0011150, OMIM 601812.
Basal ganglia calcification, idiopathic, 4 (PFBC4). Also called: Familial Idiopathic Basal Ganglia Calcification 4; PRIMARY FAMILIAL BRAIN CALCIFICATION 4, AUTOSOMAL DOMINANT. Identifiers: Orphanet 1980, MedGen C3554321, MONDO:0014004, OMIM 615007.

Allele frequency attached by ClinVar (database versions not stated): ExAC 0.00006; ESP Exome Variant Server 0.00031; gnomAD 0.00028; gnomAD exomes 0.00004; TOPMed 0.00032.
gnomAD v4.1: 110 of 1,612,648 alleles (0.0068%); highest among the groups gnomAD compares: African/African-American, 0.1%; no homozygotes.

Submissions (3):

Ambry Genetics
Classification: Likely benign for Inborn genetic diseases. Last evaluated: 2026-07-01. Review status: criteria provided, single submitter. Criteria: Ambry Variant Classification Scheme 2023. Collection method: clinical testing. Allele origin: germline.

PreventionGenetics, part of Exact Sciences
Classification: Likely benign for PDGFRB-related condition. Last evaluated: 2025-09-20. Review status: criteria provided, single submitter. Criteria: ACMG Guidelines, 2015. Collection method: clinical testing. Allele origin: germline.
Comment: This variant is classified as likely benign based on ACMG/AMP sequence variant interpretation guidelines (Richards et al. 2015 PMID: 25741868, with internal and published modifications).

Labcorp Genetics (formerly Invitae), Labcorp
Classification: Likely benign for Basal ganglia calcification, idiopathic, 4; Skeletal overgrowth-craniofacial dysmorphism-hyperelastic skin-white matter lesions syndrome; Infantile myofibromatosis; Acroosteolysis-keloid-like lesions-premature aging syndrome. Last evaluated: 2022-10-04. Review status: criteria provided, single submitter. Criteria: Invitae Variant Classification Sherloc (09022015). Collection method: clinical testing. Allele origin: germline.